The following is an entry in ClinVar:

ClinVar aggregate classification (germline): Uncertain significance. Review status: criteria provided, multiple submitters, no conflicts (2 of 4 stars). 2 submissions from 2 submitters: Uncertain significance (2). Last evaluated 2023-12-14.

Allele frequency attached by ClinVar (database versions not stated): ExAC 0.00001.
gnomAD v4.1: 18 of 1,614,196 alleles (0.0011%); highest among the groups gnomAD compares: Non-Finnish European, 0.0014%; no homozygotes.

Submissions (2):

Labcorp Genetics (formerly Invitae), Labcorp
Classification: Uncertain significance. Last evaluated: 2023-12-14. Review status: criteria provided, single submitter. Criteria: Invitae Variant Classification Sherloc (09022015). Collection method: clinical testing. Allele origin: germline.
Comment: This sequence change replaces aspartic acid, which is acidic and polar, with histidine, which is basic and polar, at codon 214 of the CDHR1 protein (p.Asp214His). This variant is present in population databases (rs760209398, gnomAD 0.002%). This variant has not been reported in the literature in individuals affected with CDHR1-related conditions. ClinVar contains an entry for this variant (Variation ID: 2158125). An algorithm developed to predict the effect of missense changes on protein structure and function (PolyPhen-2) suggests that this variant is likely to be disruptive. In summary, the available evidence is currently insufficient to determine the role of this variant in disease. Therefore, it has been classified as a Variant of Uncertain Significance.

Blueprint Genetics
Classification: Uncertain significance. Last evaluated: 2023-11-03. Review status: criteria provided, single submitter. Criteria: ACMG Guidelines, 2015. Collection method: clinical testing. Allele origin: germline.

NM_033100.4(CDHR1):c.640G>C (p.Asp214His)

Gene: CDHR1 (cadherin related family member 1; plus strand). Cytogenetic location: 10q23.1.
Variant type: single nucleotide variant.
Coding change: c.640G>C on transcript NM_033100.4 (MANE Select); coding-DNA position 640, G replaced by C.
Protein change: p.Asp214His; replaces aspartic acid 214 with histidine.
Molecular consequence: missense variant.
Genome position (GRCh38, 1-based): chr10:84,202,980, G>C. VCF-style: chr10-84202980-G-C. GRCh37 (hg19) VCF-style: chr10-85962736-G-C.
Other names: c.640G>C, p.Asp214His (NM_001171971.3); short protein forms D214H.
Identifiers: ClinVar variation 2158125 (VCV002158125.5), dbSNP rs760209398, ClinGen allele CA5579631.